The following is an entry in ClinVar:

NM_000383.4(AIRE):c.433G>T (p.Ala145Ser)

Gene: AIRE (autoimmune regulator; plus strand). Cytogenetic location: 21q22.3.
Variant type: single nucleotide variant.
Coding change: c.433G>T on transcript NM_000383.4 (MANE Select); coding-DNA position 433, G replaced by T.
Protein change: p.Ala145Ser; replaces alanine 145 with serine.
Molecular consequence: missense variant.
Genome position (GRCh38, 1-based): chr21:44,287,103, G>T. VCF-style: chr21-44287103-G-T. GRCh37 (hg19) VCF-style: chr21-45706986-G-T.
Other names: short protein forms A145S.
Identifiers: ClinVar variation 4069225 (VCV004069225.2).
Genomic context (GRCh38, chr21:44,287,103, plus strand): 5'-CCACCCAGACTCCCCACCAAGAGGAAGGCCTCAGAAGAGGCTCGAGCTGCCGCGCCAGCA[G>T]CCCTGACTCCAAGGGGCACCGCCAGCCCAGGTACCCTCCCTGCAGGGGAAGCCAGCCAGG-3'
Protein context (NP_000374.1, residues 135-155): SEEARAAAPA[Ala145Ser]LTPRGTASPG

ClinVar aggregate classification (germline): Uncertain significance. Review status: criteria provided, single submitter (1 of 4 stars). 2 submissions from 2 submitters: Uncertain significance (1). 1 of the submissions does not count toward it. Last evaluated 2025-09-12.

Conditions:
Polyglandular autoimmune syndrome, type 1 (APS1). Also called: Autoimmune polyendocrinopathy syndrome , type I, with or without reversible metaphyseal dysplasia; Autoimmune polyendocrinopathy syndrome, type I; Whitaker syndrome; AUTOIMMUNE POLYENDOCRINE SYNDROME, TYPE I, WITH OR WITHOUT REVERSIBLE METAPHYSEAL DYSPLASIA; APS I; HYPOADRENOCORTICISM WITH HYPOPARATHYROIDISM AND SUPERFICIAL MONILIASIS. Identifiers: Orphanet 3453, MedGen C0085859, MONDO:0009411, OMIM 240300.

gnomAD v4.1: 1 of 1,612,444 alleles (0.000062%); highest among the groups gnomAD compares: Non-Finnish European, 0.000085%; no homozygotes.

Submissions (2):

Labcorp Genetics (formerly Invitae), Labcorp
Classification: Uncertain significance for Polyglandular autoimmune syndrome, type 1. Last evaluated: 2025-09-12. Review status: criteria provided, single submitter. Criteria: Invitae Variant Classification Sherloc (09022015). Collection method: clinical testing. Allele origin: germline.
Comment: This sequence change replaces alanine, which is neutral and non-polar, with serine, which is neutral and polar, at codon 145 of the AIRE protein (p.Ala145Ser). This variant is not present in population databases (gnomAD no frequency). This variant has not been reported in the literature in individuals affected with AIRE-related conditions. Invitae Evidence Modeling of protein sequence and biophysical properties (such as structural, functional, and spatial information, amino acid conservation, physicochemical variation, residue mobility, and thermodynamic stability) indicates that this missense variant is not expected to disrupt AIRE protein function with a negative predictive value of 95%. In summary, the available evidence is currently insufficient to determine the role of this variant in disease. Therefore, it has been classified as a Variant of Uncertain Significance.

Natera, Inc.
Classification: Uncertain significance for Polyglandular autoimmune syndrome type 1. Last evaluated: 2025-05-04. Review status: no assertion criteria provided. Collection method: clinical testing. Allele origin: germline. Not counted in ClinVar's aggregate classification.